The following is an entry in ClinVar:

NM_004859.4(CLTC):c.1793C>G (p.Ala598Gly)

Gene: CLTC (clathrin heavy chain; plus strand). Cytogenetic location: 17q23.1.
Variant type: single nucleotide variant.
Coding change: c.1793C>G on transcript NM_004859.4 (MANE Select); coding-DNA position 1793, C replaced by G.
Protein change: p.Ala598Gly; replaces alanine 598 with glycine.
Molecular consequence: missense variant.
Genome position (GRCh38, 1-based): chr17:59,666,490, C>G. VCF-style: chr17-59666490-C-G. GRCh37 (hg19) VCF-style: chr17-57743851-C-G.
Other names: c.1805C>G, p.Ala602Gly (NM_001288653.2); short protein forms A598G, A602G.
Identifiers: ClinVar variation 1703362 (VCV001703362.3), dbSNP rs2509384156, ClinGen allele CA400427799.

ClinVar aggregate classification (germline): Uncertain significance (1 of 4 stars; one submission).

Submission:

GeneDx
Classification: Uncertain significance. Last evaluated: 2025-05-13. Review status: criteria provided, single submitter. Criteria: GeneDx Variant Classification Process June 2021. Collection method: clinical testing. Allele origin: germline.
Comment: Has not been previously published as pathogenic or benign to our knowledge; Not observed at significant frequency in large population cohorts (gnomAD); In silico analysis supports that this missense variant has a deleterious effect on protein structure/function